The following is an entry in ClinVar:

ClinVar aggregate classification (germline): Uncertain significance (1 of 4 stars; one submission).

Submission:

GeneDx
Classification: Uncertain significance. Last evaluated: 2026-04-20. Review status: criteria provided, single submitter. Criteria: GeneDx Variant Classification Process June 2021. Collection method: clinical testing. Allele origin: germline.
Comment: Not observed at significant frequency in large population cohorts (gnomAD); Frameshift variant predicted to result in protein truncation or nonsense mediated decay in a gene or region of a gene for which loss of function is not a well-established mechanism of disease; Has not been previously published as pathogenic or benign to our knowledge

NM_001080421.3(UNC13A):c.3312del (p.Lys1104fs)

Gene: UNC13A (unc-13 homolog A; minus strand). Cytogenetic location: 19p13.11.
Variant type: Deletion.
Coding change: c.3312del on transcript NM_001080421.3 (MANE Select); coding-DNA position 3312, one base deleted (G; older notation c.3312delG).
Protein change: p.Lys1104fs; shifts the reading frame from lysine 1104.
Molecular consequence: frameshift variant.
Genome position (GRCh38, 1-based): chr19:17,632,898, C deleted on the plus strand (G on the coding strand, the reverse complement: UNC13A is on the minus strand). VCF-style (leftmost placement, unchanged base first): chr19-17632897-GC-G. GRCh37 (hg19) VCF-style: chr19-17743706-GC-G.
Other names: c.3306del, p.Lys1102fs (NM_001387022.1, NM_001387023.1, NM_001387021.1); short protein forms K1102fs, K1104fs.
Identifiers: ClinVar variation 5037330 (VCV005037330.1).